The following is an entry in ClinVar:

ClinVar aggregate classification (germline): Uncertain significance. Review status: criteria provided, multiple submitters, no conflicts (2 of 4 stars). 2 submissions from 2 submitters: Uncertain significance (2). Last evaluated 2024-11-14.

Conditions:
Cardiovascular phenotype. Identifiers: MedGen CN230736.

Submissions (2):

Blueprint Genetics
Classification: Uncertain significance. Last evaluated: 2024-11-14. Review status: criteria provided, single submitter. Criteria: ACMG Guidelines, 2015. Collection method: clinical testing. Allele origin: germline.

Ambry Genetics
Classification: Uncertain significance for Cardiovascular phenotype. Last evaluated: 2022-12-09. Review status: criteria provided, single submitter. Criteria: Ambry Variant Classification Scheme 2023. Collection method: clinical testing. Allele origin: germline.
Comment: The p.S2197R variant (also known as c.6591C>A), located in coding exon 48 of the ABCA1 gene, results from a C to A substitution at nucleotide position 6591. The serine at codon 2197 is replaced by arginine, an amino acid with dissimilar properties. This amino acid position is conserved. In addition, this alteration is predicted to be tolerated by in silico analysis. Since supporting evidence is limited at this time, the clinical significance of this alteration remains unclear.

NM_005502.4(ABCA1):c.6591C>A (p.Ser2197Arg)

Genes: NIPSNAP3B (nipsnap homolog 3B; plus strand), ABCA1 (ATP binding cassette subfamily A member 1; minus strand). Cytogenetic location: 9q31.1.
Variant type: single nucleotide variant.
Coding change: c.6591C>A on transcript NM_005502.4 (MANE Select); coding-DNA position 6591, C replaced by A.
Protein change: p.Ser2197Arg; replaces serine 2197 with arginine.
Molecular consequence: missense variant.
Genome position (GRCh38, 1-based): chr9:104,785,450, G>T on the plus strand (C>A on the coding strand, the complement: ABCA1 is on the minus strand). VCF-style: chr9-104785450-G-T. GRCh37 (hg19) VCF-style: chr9-107547731-G-T.
Other names: short protein forms S2197R.
Identifiers: ClinVar variation 2447507 (VCV002447507.3), dbSNP rs2118833658, ClinGen allele CA374311210.
Genomic context (GRCh38, chr9:104,785,450, plus strand): 5'-GCTTACTTGGTCAAGTGTTGTCTGAGAAACAGAGTAGTCTTCTATGTGGAGTCGCTTTTT[G>T]CTCTGGGAGAGGATGCTGAATATCCTGGCCAGAGAAGATAATGAAGATGGAAGCTGGTAT-3'
Protein context (NP_005493.2, residues 2187-2207): LARIFSILSQ[Ser2197Arg]KKRLHIEDYS